The following is an entry in ClinVar:

ClinVar aggregate classification (germline): Uncertain significance (1 of 4 stars; one submission).

Conditions:
Inborn genetic diseases. Identifiers: MedGen C0950123, MeSH D030342.

gnomAD v4.1: 9 of 1,612,362 alleles (0.00056%); highest among the groups gnomAD compares: Non-Finnish European, 0.00076%; no homozygotes.

Submission:

Ambry Genetics
Classification: Uncertain significance for Inborn genetic diseases. Last evaluated: 2025-05-10. Review status: criteria provided, single submitter. Criteria: Ambry Variant Classification Scheme 2023. Collection method: clinical testing. Allele origin: germline.
Comment: The p.N331D variant (also known as c.991A>G), located in coding exon 8 of the IDUA gene, results from an A to G substitution at nucleotide position 991. The asparagine at codon 331 is replaced by aspartic acid, an amino acid with highly similar properties. This amino acid position is conserved. In addition, this alteration is predicted to be tolerated by in silico analysis. Based on the available evidence, the clinical significance of this variant remains unclear.

NM_000203.5(IDUA):c.991A>G (p.Asn331Asp)

Gene: IDUA (alpha-L-iduronidase; plus strand). Cytogenetic location: 4p16.3.
Variant type: single nucleotide variant.
Coding change: c.991A>G on transcript NM_000203.5 (MANE Select); coding-DNA position 991, A replaced by G.
Protein change: p.Asn331Asp; replaces asparagine 331 with aspartic acid.
Molecular consequence: missense variant. On other transcripts: non-coding transcript variant (1).
Genome position (GRCh38, 1-based): chr4:1,002,287, A>G. VCF-style: chr4-1002287-A-G. GRCh37 (hg19) VCF-style: chr4-996075-A-G.
Other names: c.595A>G, p.Asn199Asp (NM_001363576.1); short protein forms N331D, N199D.
Identifiers: ClinVar variation 3527564 (VCV003527564.2).